The following is an entry in ClinVar:

NM_144997.7(FLCN):c.518del (p.Ile173fs)

Gene: FLCN (folliculin; minus strand). Cytogenetic location: 17p11.2.
Variant type: Deletion.
Coding change: c.518del on transcript NM_144997.7 (MANE Select); coding-DNA position 518, one base deleted (T; older notation c.518delT).
Protein change: p.Ile173fs; shifts the reading frame from isoleucine 173.
Molecular consequence: frameshift variant.
Genome position (GRCh38, 1-based): chr17:17,224,022, A deleted on the plus strand (T on the coding strand, the reverse complement: FLCN is on the minus strand). VCF-style (leftmost placement, unchanged base first): chr17-17224021-GA-G. GRCh37 (hg19) VCF-style: chr17-17127335-GA-G.
Other names: c.572del, p.Ile191fs (NM_001353229.2); c.518del, p.Ile173fs (NM_001353230.2, NM_001353231.2, NM_144606.7); short protein forms I173fs, I191fs.
Identifiers: ClinVar variation 2113706 (VCV002113706.4), dbSNP rs2544254219, ClinGen allele CA2580092644.

ClinVar aggregate classification (germline): Pathogenic (1 of 4 stars; one submission).

Conditions:
Birt-Hogg-Dube syndrome. Also called: Birt Hogg Dubé syndrome. Identifiers: Orphanet 122, MedGen C0346010, MONDO:0800444.

Submission:

Labcorp Genetics (formerly Invitae), Labcorp
Classification: Pathogenic for Birt-Hogg-Dube syndrome. Last evaluated: 2022-03-18. Review status: criteria provided, single submitter. Criteria: Invitae Variant Classification Sherloc (09022015). Collection method: clinical testing. Allele origin: germline.
Comment: For these reasons, this variant has been classified as Pathogenic. This variant has not been reported in the literature in individuals affected with FLCN-related conditions. This variant is not present in population databases (gnomAD no frequency). This sequence change creates a premature translational stop signal (p.Ile173Thrfs*4) in the FLCN gene. It is expected to result in an absent or disrupted protein product. Loss-of-function variants in FLCN are known to be pathogenic (PMID: 15852235).

Literature cited by the submitters: PubMed 15852235.